The following is an entry in ClinVar:

NM_052867.4(NALCN):c.3122G>A (p.Gly1041Glu)

Gene: NALCN (sodium leak channel, non-selective; minus strand). Cytogenetic location: 13q33.1.
Variant type: single nucleotide variant.
Coding change: c.3122G>A on transcript NM_052867.4 (MANE Select); coding-DNA position 3122, G replaced by A.
Protein change: p.Gly1041Glu; replaces glycine 1041 with glutamic acid.
Molecular consequence: missense variant.
Genome position (GRCh38, 1-based): chr13:101,100,824, C>T on the plus strand (G>A on the coding strand, the complement: NALCN is on the minus strand). VCF-style: chr13-101100824-C-T. GRCh37 (hg19) VCF-style: chr13-101753175-C-T.
Other names: c.3209G>A, p.Gly1070Glu (NM_001350748.2); c.3122G>A, p.Gly1041Glu (NM_001350749.2); c.3035G>A, p.Gly1012Glu (NM_001350750.2, NM_001350751.2); short protein forms G1012E, G1041E, G1070E.
Identifiers: ClinVar variation 1312783 (VCV001312783.2), dbSNP rs2139597523, ClinGen allele CA388654476.

ClinVar aggregate classification (germline): Uncertain significance (1 of 4 stars; one submission).

Submission:

GeneDx
Classification: Uncertain significance. Last evaluated: 2020-06-24. Review status: criteria provided, single submitter. Criteria: GeneDx Variant Classification Process June 2021. Collection method: clinical testing. Allele origin: germline. Affected: yes.
Comment: Not observed in large population cohorts (Lek et al., 2016); In silico analysis supports that this missense variant has a deleterious effect on protein structure/function; Has not been previously published as pathogenic or benign to our knowledge